The following is an entry in ClinVar:

ClinVar aggregate classification (germline): Pathogenic/Likely pathogenic. Review status: criteria provided, multiple submitters, no conflicts (2 of 4 stars). 2 submissions from 2 submitters: Pathogenic (1); Likely pathogenic (1). Last evaluated 2026-03-27.

Conditions:
Hereditary factor IX deficiency disease (HEMB). Also called: PLASMA THROMBOPLASTIN COMPONENT DEFICIENCY; Hemophilia B; F9 DEFICIENCY; FACTOR IX DEFICIENCY; Christmas Disease. Identifiers: Orphanet 98879, MedGen C0008533, MeSH D002836, MONDO:0010604, OMIM 306900.

Submissions (2):

GeneDx
Classification: Likely pathogenic. Last evaluated: 2026-03-27. Review status: criteria provided, single submitter. Criteria: GeneDx Variant Classification Process June 2021. Collection method: clinical testing. Allele origin: germline.
Comment: Frameshift variant predicted to result in abnormal protein length as the last 98 amino acid(s) are replaced with 3 different amino acid(s), and other similar variants have been reported downstream (HGMD; internal data); Not observed at significant frequency in large population cohorts (gnomAD); Has not been previously published as pathogenic or benign to our knowledge

Women's Health and Genetics/Laboratory Corporation of America, LabCorp
Classification: Pathogenic for Hereditary factor IX deficiency disease. Last evaluated: 2023-08-15. Review status: criteria provided, single submitter. Criteria: LabCorp Variant Classification Summary - May 2015. Collection method: clinical testing. Allele origin: germline.
Comment: Variant summary: F9 c.1086delA (p.Arg364AspfsX4) results in a premature termination codon, predicted to cause a truncation of the encoded protein or absence of the protein due to nonsense mediated decay, which are commonly known mechanisms for disease. Variants downstream of this position have been classified as pathogenic by our laboratory. The variant was absent in 183179 control chromosomes (gnomAD). c.1086delA has been reported in the literature in at least one individual affected with Factor IX Deficiency (Hemophilia B) (Wulff_2001, Rallapalli_2013). These data indicate that the variant is likely to be associated with disease. To our knowledge, no experimental evidence demonstrating an impact on protein function has been reported. The following publication have been ascertained in the context of this evaluation (PMID: 23617593). No submitters have cited clinical-significance assessments for this variant to ClinVar after 2014. Based on the evidence outlined above, the variant was classified as pathogenic.

Literature cited by the submitters: PubMed 23617593 (cited by Women's Health and Genetics/Laboratory Corporation of America, LabCorp).

NM_000133.4(F9):c.1086del (p.Arg364fs)

Gene: F9 (coagulation factor IX; plus strand). Cytogenetic location: Xq27.1.
Variant type: Deletion.
Coding change: c.1086del on transcript NM_000133.4 (MANE Select); coding-DNA position 1086, one base deleted (A; older notation c.1086delA).
Protein change: p.Arg364fs; shifts the reading frame from arginine 364.
Molecular consequence: frameshift variant.
Genome position (GRCh38, 1-based): chrX:139,561,771, A deleted; the last of 3 consecutive A bases (chrX:139,561,769-139,561,771); deleting any one gives the same sequence. VCF-style (leftmost placement, unchanged base first): chrX-139561768-CA-C. GRCh37 (hg19) VCF-style: chrX-138643927-CA-C.
Other names: c.1086delA, p.Arg364Aspfs (NM_000133.3); c.972del, p.Arg326fs (NM_001313913.2); c.1086del (NM_000133.3); short protein forms R326fs, R364fs.
Identifiers: ClinVar variation 2581701 (VCV002581701.2), dbSNP rs2520845620, ClinGen allele CA2582342933.